The following is an entry in ClinVar:

ClinVar aggregate classification (germline): Uncertain significance. Review status: criteria provided, multiple submitters, no conflicts (2 of 4 stars). 2 submissions from 2 submitters: Uncertain significance (2). Last evaluated 2026-04-25.

Conditions:
MTOR-related disorder. Also called: MTOR-related condition.

Submissions (2):

GeneDx
Classification: Uncertain significance. Last evaluated: 2026-04-25. Review status: criteria provided, single submitter. Criteria: GeneDx Variant Classification Process June 2021. Collection method: clinical testing. Allele origin: germline.
Comment: Not observed at significant frequency in large population cohorts (gnomAD); In silico analysis suggests that this missense variant does not alter protein structure/function; Has not been previously published as pathogenic or benign to our knowledge

PreventionGenetics, part of Exact Sciences
Classification: Uncertain significance for MTOR-related condition. Last evaluated: 2025-10-22. Review status: criteria provided, single submitter. Criteria: ACMG Guidelines, 2015. Collection method: clinical testing. Allele origin: germline.
Comment: The MTOR c.2439G>A variant is predicted to result in the amino acid substitution p.Met813Ile. To our knowledge, this variant has not been reported in the germline state in the literature. This variant is absent in a large population database (gnomAD), indicating this variant is rare. At this time, the clinical significance of this variant is uncertain due to the absence of conclusive functional and genetic evidence.

NM_004958.4(MTOR):c.2439G>A (p.Met813Ile)

Gene: MTOR (mechanistic target of rapamycin kinase; minus strand). Cytogenetic location: 1p36.22.
Variant type: single nucleotide variant.
Coding change: c.2439G>A on transcript NM_004958.4 (MANE Select); coding-DNA position 2439, G replaced by A.
Protein change: p.Met813Ile; replaces methionine 813 with isoleucine.
Molecular consequence: missense variant.
Genome position (GRCh38, 1-based): chr1:11,232,511, C>T on the plus strand (G>A on the coding strand, the complement: MTOR is on the minus strand). VCF-style: chr1-11232511-C-T. GRCh37 (hg19) VCF-style: chr1-11292568-C-T.
Other names: c.2439G>A, p.Met813Ile (NM_001386500.1); c.1191G>A, p.Met397Ile (NM_001386501.1); short protein forms M397I, M813I.
Identifiers: ClinVar variation 4994647 (VCV004994647.2).